The following is an entry in ClinVar:

NM_054012.4(ASS1):c.835C>T (p.Arg279Ter)

Gene: ASS1 (argininosuccinate synthase 1; plus strand). Cytogenetic location: 9q34.11.
Variant type: single nucleotide variant.
Coding change: c.835C>T on transcript NM_054012.4 (MANE Select); coding-DNA position 835, C replaced by T.
Protein change: p.Arg279Ter; replaces arginine 279 with a stop codon.
Molecular consequence: nonsense.
Genome position (GRCh38, 1-based): chr9:130,480,446, C>T. VCF-style: chr9-130480446-C-T. GRCh37 (hg19) VCF-style: chr9-133355833-C-T.
Other names: c.835C>T, p.Arg279Ter (NM_000050.4); short protein forms R279*.
Identifiers: ClinVar variation 6333 (VCV000006333.30), dbSNP rs121908645, ClinGen allele CA253838.

ClinVar aggregate classification (germline): Pathogenic/Likely pathogenic. Review status: criteria provided, multiple submitters, no conflicts (2 of 4 stars). 9 submissions from 9 submitters: Pathogenic (5); Likely pathogenic (2). 2 of the submissions do not count toward it. Last evaluated 2025-11-04.

Conditions:
Citrullinemia. Identifiers: Orphanet 187, MedGen C0175683, MONDO:0015991.
ASS1-related disorder. Also called: ASS1-related condition.
Citrullinemia type I (CTNL1). Also called: ASS DEFICIENCY; argininosuccinate synthetase deficiency. Identifiers: Orphanet 247525, MedGen C4721769, MONDO:0008988, OMIM 215700.

Allele frequency attached by ClinVar (database versions not stated): gnomAD 0.00001; ExAC 0.00002; gnomAD exomes 0.00004 and 0.00002; TOPMed 0.00002.

Submissions (9):

Labcorp Genetics (formerly Invitae), Labcorp
Classification: Pathogenic for Citrullinemia. Last evaluated: 2025-11-04. Review status: criteria provided, single submitter. Criteria: Invitae Variant Classification Sherloc (09022015). Collection method: clinical testing. Allele origin: germline.
Comment: This sequence change creates a premature translational stop signal (p.Arg279*) in the ASS1 gene. It is expected to result in an absent or disrupted protein product. Loss-of-function variants in ASS1 are known to be pathogenic (PMID: 18473344, 19006241). This variant is present in population databases (rs121908645, gnomAD 0.007%). This premature translational stop signal has been observed in individual(s) with citrullinemia type 1 (PMID: 11571557, 16475226, 27287393, 28111830). ClinVar contains an entry for this variant (Variation ID: 6333). For these reasons, this variant has been classified as Pathogenic.

Natera, Inc.
Classification: Pathogenic for Citrullinemia type I. Last evaluated: 2025-06-11. Review status: criteria provided, single submitter. Criteria: Natera Variant Classification Schema (03/2026). Collection method: clinical testing. Allele origin: germline.
Comment: The c.835C>T variant in ASS1 is a nonsense variant predicted to introduce a stop codon at amino acid 279. This variant is expected to result in nonsense mediated decay, truncation, or a dysfunctional protein product. This variant is rare in the general population with a frequency below the threshold expected for the associated phenotype(s). This variant has been observed in one or more individuals affected with the associated recessive disease, as either homozygous or compound heterozygous with a second variant (PMID: 16475226). Given the available evidence, this variant is classified as Pathogenic.

Fulgent Genetics
Classification: Pathogenic for Citrullinemia type I. Last evaluated: 2021-12-28. Review status: criteria provided, single submitter. Criteria: ACMG Guidelines, 2015. Collection method: clinical testing. Allele origin: unknown.

Revvity Omics, Revvity
Classification: Likely pathogenic for Citrullinemia type I. Last evaluated: 2021-12-21. Review status: criteria provided, single submitter. Criteria: ACMG Guidelines, 2015. Collection method: clinical testing. Allele origin: germline.

Blueprint Genetics
Classification: Likely pathogenic for ASS1-related disorders. Last evaluated: 2020-10-09. Review status: criteria provided, single submitter. Criteria: ACMG Guidelines, 2015. Collection method: clinical testing. Allele origin: germline. Affected: yes. Observed: 1 variant allele.

Women's Health and Genetics/Laboratory Corporation of America, LabCorp
Classification: Pathogenic for Citrullinuria. Last evaluated: 2020-04-30. Review status: criteria provided, single submitter. Criteria: LabCorp Variant Classification Summary - May 2015. Collection method: clinical testing. Allele origin: germline.
Comment: Variant summary: ASS1 c.835C>T (p.Arg279X) results in a premature termination codon, predicted to cause a truncation of the encoded protein or absence of the protein due to nonsense mediated decay, which are commonly known mechanisms for disease. Truncations downstream of this position have been classified as pathogenic by our laboratory. The variant allele was found at a frequency of 2.4e-05 in 250820 control chromosomes. c.835C>T has been reported in the literature in multiple individuals affected with Citrullinemia Type I (examples- Li_2001, Gao_2003, Kleijer_2006). These data indicate that the variant is very likely to be associated with disease. No stable mRNA was detected from the allele with the variant in RNA isolated from patient skin fibroblasts, presumably due to nonsense-mediated decay (Li_2001). Two other clinical diagnostic laboratories have submitted clinical-significance assessments for this variant to ClinVar after 2014 without evidence for independent evaluation. Both laboratories cited the variant as pathogenic. Based on the evidence outlined above, the variant was classified as pathogenic.

ARUP Laboratories, Molecular Genetics and Genomics, ARUP Laboratories
Classification: Pathogenic for Citrullinemia type I. Last evaluated: 2019-08-29. Review status: criteria provided, single submitter. Criteria: ARUP Molecular Germline Variant Investigation Process. Collection method: clinical testing. Allele origin: germline.
Comment: The ASS1 c.835C>T; p.Arg279Ter variant (rs121908645) has been described in the homozygous and compound heterozygous states in individuals diagnosed with citrullinemia (Gao 2003, Kleijer 2006, Li 2001). It is reported as pathogenic and likely pathogenic in ClinVar (Variation ID: 6333) and observed in the general population at a low overall frequency of 0.0024% (6/245706 alleles) in the Genome Aggregation Database. This variant induces an early termination codon and is predicted to result in a truncated protein or mRNA subject to nonsense-mediated decay. Additionally, RNA analysis of this variant in skin fibroblasts from an affected patient demonstrated an RNA-negative allele in which no stable mRNA was detected (Li 2001). Based on available information, this variant is considered pathogenic. References: Gao H et al. Identification of 16 novel mutations in the argininosuccinate synthetase gene and genotype-phenotype correlation in 38 classical citrullinemia patients. Hum Mutat. 2003 Jul;22(1):24-34. Kleijer W et al. Prenatal diagnosis of citrullinemia and argininosuccinic aciduria: evidence for a transmission ratio distortion in citrullinemia. Prenat Diagn. 2006 Mar;26(3):242-7. Li C et al. A nonsense mutation is responsible for the RNA-negative phenotype in human citrullinaemia. Eur J Hum Genet. 2001 Sep;9(9):685-9.

Counsyl
Classification: Likely pathogenic for Citrullinemia type I. Last evaluated: 2014-08-22. Review status: no assertion criteria provided. Collection method: literature only. Allele origin: unknown. Inheritance: Autosomal recessive inheritance. Not counted in ClinVar's aggregate classification.

OMIM
Classification: Pathogenic for CITRULLINEMIA, CLASSIC. Last evaluated: 2001-09-01. Review status: no assertion criteria provided. Collection method: literature only. Allele origin: germline. Not counted in ClinVar's aggregate classification.

Literature cited by the submitters: PubMed 18473344 (cited by Labcorp Genetics (formerly Invitae), Labcorp); PubMed 19006241 (cited by Labcorp Genetics (formerly Invitae), Labcorp and Counsyl); PubMed 11571557 (cited by 4 submitters); PubMed 16475226 (cited by 4 submitters); PubMed 27287393 (cited by Labcorp Genetics (formerly Invitae), Labcorp); PubMed 28111830 (cited by Labcorp Genetics (formerly Invitae), Labcorp); PubMed 12815590 (cited by Women's Health and Genetics/Laboratory Corporation of America, LabCorp and Counsyl); PubMed 18925679 (cited by Counsyl); PubMed 24508627 (cited by Counsyl).